The following is an entry in ClinVar:

NM_001083962.2(TCF4):c.816C>T (p.Asp272=)

Genes: TCF4 (transcription factor 4; minus strand), LOC126862757 (CDK7 strongly-dependent group 2 enhancer GRCh37_chr18:52936433-52937632; plus strand). Cytogenetic location: 18q21.2.
Variant type: single nucleotide variant.
Coding change: c.816C>T on transcript NM_001083962.2 (MANE Select); coding-DNA position 816, C replaced by T.
Protein change: p.Asp272=; no amino-acid change (aspartic acid 272 retained).
Molecular consequence: synonymous variant.
Genome position (GRCh38, 1-based): chr18:55,269,937, G>A on the plus strand (C>T on the coding strand, the complement: TCF4 is on the minus strand). VCF-style: chr18-55269937-G-A. GRCh37 (hg19) VCF-style: chr18-52937168-G-A.
Other names: c.1122C>T, p.Asp374= (NM_001243226.3); c.744C>T, p.Asp248= (NM_001243227.2, NM_001306207.1, NM_001348217.1 and 9 more transcripts); c.834C>T, p.Asp278= (NM_001243228.2); c.810C>T, p.Asp270= (NM_001243230.2); c.690C>T, p.Asp230= (NM_001243231.2, NM_001348211.2); c.603C>T, p.Asp201= (NM_001243232.1, NM_001306208.1); c.426C>T, p.Asp142= (NM_001243233.2, NM_001330605.3, NM_001348212.2 and 1 more transcripts); c.336C>T, p.Asp112= (NM_001243234.2, NM_001243235.2, NM_001243236.2 and 2 more transcripts); and 4 more.
Identifiers: ClinVar variation 327304 (VCV000327304.18), dbSNP rs138403996, ClinGen allele CA8970383.

ClinVar aggregate classification (germline): Benign/Likely benign. Review status: criteria provided, multiple submitters, no conflicts (2 of 4 stars). 5 submissions from 5 submitters: Benign (2); Likely benign (3). Last evaluated 2025-09-07.

Conditions:
TCF4-related disorder. Also called: TCF4-related condition.
Pitt-Hopkins syndrome (PTHS). Also called: ENCEPHALOPATHY, SEVERE EPILEPTIC, WITH AUTONOMIC DYSFUNCTION; MENTAL RETARDATION, SYNDROMAL, WITH INTERMITTENT HYPERVENTILATION. Identifiers: Orphanet 2896, MedGen C1970431, MONDO:0012589, OMIM 610954.

Allele frequency attached by ClinVar (database versions not stated): gnomAD exomes 0.00004 and 0.00009; gnomAD 0.00005; TOPMed 0.00005; ExAC 0.00008; ESP Exome Variant Server 0.00015.
gnomAD v4.1: 71 of 1,613,190 alleles (0.0044%); highest among the groups gnomAD compares: Admixed American, 0.0033%; no homozygotes.

Submissions (5):

Labcorp Genetics (formerly Invitae), Labcorp
Classification: Benign for Pitt-Hopkins syndrome. Last evaluated: 2025-09-07. Review status: criteria provided, single submitter. Criteria: Invitae Variant Classification Sherloc (09022015). Collection method: clinical testing. Allele origin: germline.

PreventionGenetics, part of Exact Sciences
Classification: Likely benign for TCF4-related condition. Last evaluated: 2025-01-12. Review status: criteria provided, single submitter. Criteria: ACMG Guidelines, 2015. Collection method: clinical testing. Allele origin: germline.
Comment: This variant is classified as likely benign based on ACMG/AMP sequence variant interpretation guidelines (Richards et al. 2015 PMID: 25741868, with internal and published modifications).

Blueprint Genetics
Classification: Likely benign. Last evaluated: 2023-03-14. Review status: criteria provided, single submitter. Criteria: ACMG Guidelines, 2015. Collection method: clinical testing. Allele origin: germline.

Illumina Laboratory Services, Illumina
Classification: Likely benign for Pitt-Hopkins syndrome. Last evaluated: 2018-01-13. Review status: criteria provided, single submitter. Criteria: ICSL Variant Classification Criteria 13 December 2019. Collection method: clinical testing. Allele origin: germline.
Comment: This variant was observed in the ICSL laboratory as part of a predisposition screen in an ostensibly healthy population. It had not been previously curated by ICSL or reported in the Human Gene Mutation Database (HGMD: prior to June 1st, 2018), and was therefore a candidate for classification through an automated scoring system. Utilizing variant allele frequency, disease prevalence and penetrance estimates, and inheritance mode, an automated score was calculated to assess if this variant is too frequent to cause the disease. Based on the score and internal cut-off values, a variant classified as likely benign is not then subjected to further curation. The score for this variant resulted in a classification of likely benign for this disease.

GeneDx
Classification: Benign. Last evaluated: 2015-03-03. Review status: criteria provided, single submitter. Criteria: GeneDx Variant Classification Process June 2021. Collection method: clinical testing. Allele origin: germline. Affected: yes.